The following is an entry in ClinVar:

ClinVar aggregate classification (germline): Likely pathogenic (1 of 4 stars; one submission).

Conditions:
Dilated cardiomyopathy 1G (CMD1G). Identifiers: Orphanet 154, MedGen C1858763, MONDO:0011400, OMIM 604145.
Autosomal recessive limb-girdle muscular dystrophy type 2J (LGMDR10). Also called: Limb-girdle muscular dystrophy, type 2J; MUSCULAR DYSTROPHY, LIMB-GIRDLE, AUTOSOMAL RECESSIVE 10. Identifiers: Orphanet 140922, MedGen C1837342, MONDO:0012127, OMIM 608807.

Submission:

Labcorp Genetics (formerly Invitae), Labcorp
Classification: Likely pathogenic for Dilated cardiomyopathy 1G; Autosomal recessive limb-girdle muscular dystrophy type 2J. Last evaluated: 2024-05-18. Review status: criteria provided, single submitter. Criteria: Invitae Variant Classification Sherloc (09022015). Collection method: clinical testing. Allele origin: germline.
Comment: This sequence change creates a premature translational stop signal (p.Lys11504Argfs*35) in the TTN gene. While this is not anticipated to result in nonsense mediated decay, it is expected to create a truncated TTN protein. This variant is present in population databases (no rsID available, gnomAD 0.007%). This variant has not been reported in the literature in individuals affected with TTN-related conditions. This variant is located in the I band of TTN (PMID: 25589632). Truncating variants in this region have been reported in individuals affected with autosomal recessive centronuclear myopathy (PMID: 23975875, Invitae internal data). Truncating variants in this region have also been identified in individuals affected with autosomal dominant dilated cardiomyopathy and/or cardio-related conditions (PMID: 27869827, 32964742, Invitae internal data). In summary, the currently available evidence indicates that the variant is pathogenic, but additional data are needed to prove that conclusively. Therefore, this variant has been classified as Likely Pathogenic.

Literature cited by the submitters: PubMed 25589632; PubMed 23975875; PubMed 27869827; PubMed 32964742.

NM_001267550.2(TTN):c.34509del (p.Lys11504fs)

Gene: TTN (titin; minus strand). Cytogenetic location: 2q31.2.
Variant type: Deletion.
Coding change: c.34509del on transcript NM_001267550.2 (MANE Select); coding-DNA position 34509, one base deleted (T; older notation c.34509delT).
Protein change: p.Lys11504fs; shifts the reading frame from lysine 11504.
Molecular consequence: frameshift variant. On other transcripts: intron variant (5).
Genome position (GRCh38, 1-based): chr2:178,675,699, A deleted on the plus strand (T on the coding strand, the reverse complement: TTN is on the minus strand); the first of 2 consecutive A bases (chr2:178,675,699-178,675,700); deleting either gives the same sequence. VCF-style (leftmost placement, unchanged base first): chr2-178675698-TA-T. GRCh37 (hg19) VCF-style: chr2-179540425-TA-T.
Other names: c.13283-33382del (NM_003319.4); c.13859-33382del (NM_133437.4); c.13658-33382del (NM_133432.3); c.30634+222del (NM_133378.4); c.33415+222del (NM_001256850.1); short protein forms K11504fs.
Identifiers: ClinVar variation 3756418 (VCV003756418.2).